The following is an entry in ClinVar:

NM_006517.5(SLC16A2):c.257G>A (p.Arg86His)

Gene: SLC16A2 (solute carrier family 16 member 2; plus strand). Cytogenetic location: Xq13.2.
Variant type: single nucleotide variant.
Coding change: c.257G>A on transcript NM_006517.5 (MANE Select); coding-DNA position 257, G replaced by A.
Protein change: p.Arg86His; replaces arginine 86 with histidine.
Molecular consequence: missense variant.
Genome position (GRCh38, 1-based): chrX:74,421,894, G>A. VCF-style: chrX-74421894-G-A. GRCh37 (hg19) VCF-style: chrX-73641729-G-A.
Other names: short protein forms R86H.
Identifiers: ClinVar variation 1496045 (VCV001496045.8), dbSNP rs891497471, ClinGen allele CA331275951.

ClinVar aggregate classification (germline): Uncertain significance (1 of 4 stars; one submission).

Conditions:
Spastic paraplegia. Identifiers: MedGen C0037772, HP:0001258.

Allele frequency attached by ClinVar (database versions not stated): gnomAD exomes below 0.00001; gnomAD 0.00003; TOPMed 0.00010.
gnomAD v4.1: 5 of 1,208,912 alleles (0.00041%); highest among the groups gnomAD compares: Admixed American, 0.0087%; no homozygotes.

Submission:

Labcorp Genetics (formerly Invitae), Labcorp
Classification: Uncertain significance for Spastic paraplegia. Last evaluated: 2024-11-26. Review status: criteria provided, single submitter. Criteria: Invitae Variant Classification Sherloc (09022015). Collection method: clinical testing. Allele origin: germline.
Comment: This sequence change replaces arginine, which is basic and polar, with histidine, which is basic and polar, at codon 86 of the SLC16A2 protein (p.Arg86His). This variant is not present in population databases (gnomAD no frequency). This variant has not been reported in the literature in individuals affected with SLC16A2-related conditions. ClinVar contains an entry for this variant (Variation ID: 1496045). Invitae Evidence Modeling of protein sequence and biophysical properties (such as structural, functional, and spatial information, amino acid conservation, physicochemical variation, residue mobility, and thermodynamic stability) indicates that this missense variant is not expected to disrupt SLC16A2 protein function with a negative predictive value of 95%. In summary, the available evidence is currently insufficient to determine the role of this variant in disease. Therefore, it has been classified as a Variant of Uncertain Significance.